The following is an entry in ClinVar:

ClinVar aggregate classification (germline): Uncertain significance (1 of 4 stars; one submission).

Allele frequency attached by ClinVar (database versions not stated): ESP Exome Variant Server 0.00008; ExAC 0.00031; TOPMed 0.00016; gnomAD 0.00022; gnomAD exomes 0.00029.
gnomAD v4.1: 453 of 1,614,000 alleles (0.028%); highest among the groups gnomAD compares: Non-Finnish European, 0.034%; no homozygotes.

Submission:

Labcorp Genetics (formerly Invitae), Labcorp
Classification: Uncertain significance. Last evaluated: 2024-04-25. Review status: criteria provided, single submitter. Criteria: Invitae Variant Classification Sherloc (09022015). Collection method: clinical testing. Allele origin: germline.
Comment: This sequence change replaces isoleucine, which is neutral and non-polar, with valine, which is neutral and non-polar, at codon 439 of the BTRC protein (p.Ile439Val). This variant is present in population databases (rs200146282, gnomAD 0.07%), and has an allele count higher than expected for a pathogenic variant. This variant has not been reported in the literature in individuals affected with BTRC-related conditions. ClinVar contains an entry for this variant (Variation ID: 2045020). Algorithms developed to predict the effect of missense changes on protein structure and function output the following: SIFT: "Not Available"; PolyPhen-2: "Benign"; Align-GVGD: "Not Available". The valine amino acid residue is found in multiple mammalian species, which suggests that this missense change does not adversely affect protein function. Algorithms developed to predict the effect of sequence changes on RNA splicing suggest that this variant may create or strengthen a splice site. In summary, the available evidence is currently insufficient to determine the role of this variant in disease. Therefore, it has been classified as a Variant of Uncertain Significance.

NM_033637.4(BTRC):c.1315A>G (p.Ile439Val)

Gene: BTRC (beta-transducin repeat containing E3 ubiquitin protein ligase; plus strand). Cytogenetic location: 10q24.32.
Variant type: single nucleotide variant.
Coding change: c.1315A>G on transcript NM_033637.4 (MANE Select); coding-DNA position 1315, A replaced by G.
Protein change: p.Ile439Val; replaces isoleucine 439 with valine.
Molecular consequence: missense variant.
Genome position (GRCh38, 1-based): chr10:101,534,878, A>G. VCF-style: chr10-101534878-A-G. GRCh37 (hg19) VCF-style: chr10-103294635-A-G.
Other names: c.1237A>G, p.Ile413Val (NM_001256856.2); c.1207A>G, p.Ile403Val (NM_003939.5); short protein forms I403V, I413V, I439V.
Identifiers: ClinVar variation 2045020 (VCV002045020.4), dbSNP rs200146282, ClinGen allele CA5656156.